The following is an entry in ClinVar:

ClinVar aggregate classification (germline): Benign/Likely benign. Review status: criteria provided, multiple submitters, no conflicts (2 of 4 stars). 7 submissions from 7 submitters: Benign (1); Likely benign (5). 1 of the submissions does not count toward it. Last evaluated 2026-01-07.

Conditions:
POLD1-related disorder. Also called: POLD1-related condition; POLD1-related disorders.
POLD1-related polyposis and colorectal cancer syndrome (CRCS10). Also called: Colorectal cancer 10; COLORECTAL CANCER, SUSCEPTIBILITY TO, ON CHROMOSOME 19q; Colorectal cancer, susceptibility to, 10. Identifiers: Orphanet 220460, MedGen C2675481, MONDO:0012953, OMIM 612591.
Hereditary cancer-predisposing syndrome. Also called: Tumor predisposition; Hereditary Cancer Syndrome; Neoplastic Syndromes, Hereditary; Hereditary neoplastic syndrome. Identifiers: Orphanet 140162, MedGen C0027672, MeSH D009386, MONDO:0015356.

Allele frequency attached by ClinVar (database versions not stated): ExAC 0.00005; gnomAD exomes 0.00005; gnomAD 0.00009 and 0.00010; TOPMed 0.00015.
gnomAD v4.1: 64 of 1,550,806 alleles (0.0041%); highest among the groups gnomAD compares: African/African-American, 0.027%; no homozygotes.

Submissions (7):

Labcorp Genetics (formerly Invitae), Labcorp
Classification: Likely benign for POLD1-related polyposis and colorectal cancer syndrome. Last evaluated: 2026-01-07. Review status: criteria provided, single submitter. Criteria: Invitae Variant Classification Sherloc (09022015). Collection method: clinical testing. Allele origin: germline.

Blueprint Genetics
Classification: Likely benign. Last evaluated: 2024-09-02. Review status: criteria provided, single submitter. Criteria: ACMG Guidelines, 2015. Collection method: clinical testing. Allele origin: germline.

CeGaT Center for Human Genetics Tuebingen
Classification: Likely benign. Last evaluated: 2022-08-01. Review status: criteria provided, single submitter. Criteria: CeGaT Center For Human Genetics Tuebingen Variant Classification Criteria Version 2. Collection method: clinical testing. Allele origin: germline. Affected: yes. Observed: 3 variant alleles.
Comment: POLD1: BP4, BP7

GeneDx
Classification: Likely benign. Last evaluated: 2020-11-24. Review status: criteria provided, single submitter. Criteria: GeneDx Variant Classification Process June 2021. Collection method: clinical testing. Allele origin: germline. Affected: yes.

Quest Diagnostics Nichols Institute San Juan Capistrano
Classification: Benign. Last evaluated: 2020-02-01. Review status: criteria provided, single submitter. Criteria: Quest Diagnostics criteria. Collection method: clinical testing. Allele origin: unknown.

Ambry Genetics
Classification: Likely benign for Hereditary cancer-predisposing syndrome. Last evaluated: 2015-11-19. Review status: criteria provided, single submitter. Criteria: Ambry Variant Classification Scheme 2023. Collection method: clinical testing. Allele origin: germline.

PreventionGenetics, part of Exact Sciences
Classification: Likely benign for POLD1-related condition. Last evaluated: 2019-09-28. Review status: no assertion criteria provided. Collection method: clinical testing. Allele origin: germline. Not counted in ClinVar's aggregate classification.
Comment: This variant is classified as likely benign based on ACMG/AMP sequence variant interpretation guidelines (Richards et al. 2015 PMID: 25741868, with internal and published modifications).

NM_002691.4(POLD1):c.3072C>T (p.Ala1024=)

Gene: POLD1 (DNA polymerase delta 1, catalytic subunit; plus strand). Cytogenetic location: 19q13.33.
Variant type: single nucleotide variant.
Coding change: c.3072C>T on transcript NM_002691.4 (MANE Select); coding-DNA position 3072, C replaced by T.
Protein change: p.Ala1024=; no amino-acid change (alanine 1024 retained).
Molecular consequence: synonymous variant. On other transcripts: non-coding transcript variant (1).
Genome position (GRCh38, 1-based): chr19:50,417,049, C>T. VCF-style: chr19-50417049-C-T. GRCh37 (hg19) VCF-style: chr19-50920306-C-T.
Other names: c.3072C>T, p.Ala1024= (NM_001256849.1); c.3150C>T, p.Ala1050= (NM_001308632.1).
Identifiers: ClinVar variation 239330 (VCV000239330.44), dbSNP rs111698572, ClinGen allele CA9596744.
Genomic context (GRCh38, chr19:50,417,049, plus strand): 5'-GGGTGGCCCAGTTCCTGGCTGGGCCCCAGCACTTGGGCTGACCCGCCTCCCCACAGGAGC[C>T]GTGTGTGAGTTCTGCCAGCCCCGGGAGTCTGAGCTGTATCAGAAGGAGGTGAGAGGGCCG-3'
Protein context (NP_002682.2, residues 1014-1034): GCRTVLSHQG[Ala1024=]VCEFCQPRES